The following is an entry in ClinVar:

ClinVar aggregate classification (germline): Uncertain significance (1 of 4 stars; one submission).

Submission:

Labcorp Genetics (formerly Invitae), Labcorp
Classification: Uncertain significance. Last evaluated: 2024-04-09. Review status: criteria provided, single submitter. Criteria: Invitae Variant Classification Sherloc (09022015). Collection method: clinical testing. Allele origin: germline.
Comment: This sequence change replaces threonine, which is neutral and polar, with isoleucine, which is neutral and non-polar, at codon 122 of the SEMA4A protein (p.Thr122Ile). This variant is not present in population databases (gnomAD no frequency). This variant has not been reported in the literature in individuals affected with SEMA4A-related conditions. An algorithm developed to predict the effect of missense changes on protein structure and function (PolyPhen-2) suggests that this variant is likely to be disruptive. In summary, the available evidence is currently insufficient to determine the role of this variant in disease. Therefore, it has been classified as a Variant of Uncertain Significance.

NM_022367.4(SEMA4A):c.365C>T (p.Thr122Ile)

Gene: SEMA4A (semaphorin 4A; plus strand). Cytogenetic location: 1q22.
Variant type: single nucleotide variant.
Coding change: c.365C>T on transcript NM_022367.4 (MANE Select); coding-DNA position 365, C replaced by T.
Protein change: p.Thr122Ile; replaces threonine 122 with isoleucine.
Molecular consequence: missense variant. On other transcripts: 5 prime UTR variant (2), intron variant (1).
Genome position (GRCh38, 1-based): chr1:156,158,389, C>T. VCF-style: chr1-156158389-C-T. GRCh37 (hg19) VCF-style: chr1-156128180-C-T.
Other names: c.365C>T, p.Thr122Ile (NM_001193300.2, NM_001193301.2, NM_001370567.1); c.68C>T, p.Thr23Ile (NM_001370568.1); c.-160C>T (NM_001370569.1, NM_001370571.1); c.66+257C>T (NM_001193302.2); short protein forms T23I, T122I.
Identifiers: ClinVar variation 3641907 (VCV003641907.2).